The following is an entry in ClinVar:

ClinVar aggregate classification (germline): Conflicting classifications of pathogenicity. Review status: criteria provided, conflicting classifications (1 of 4 stars). 2 submissions from 2 submitters: Uncertain significance (1); Likely benign (1). Last evaluated 2025-06-10.

Conditions:
Von Hippel-Lindau syndrome (VHLS). Also called: Von Hippel-Lindau; von Hippel–Lindau syndrome; VHL syndrome. Identifiers: Orphanet 892, MedGen C0019562, MONDO:0008667, OMIM 193300. Disease mechanism: loss of function.
Hereditary cancer-predisposing syndrome. Also called: Tumor predisposition; Neoplastic Syndromes, Hereditary; Hereditary Cancer Syndrome; Hereditary neoplastic syndrome. Identifiers: Orphanet 140162, MedGen C0027672, MeSH D009386, MONDO:0015356.

Submissions (2):

Myriad Genetics, Inc.
Classification: Likely benign for Von Hippel-Lindau syndrome. Last evaluated: 2025-06-10. Review status: criteria provided, single submitter. Criteria: Myriad Autosomal Dominant, Autosomal Recessive and X-Linked Classification Criteria (2023). Collection method: clinical testing. Allele origin: unknown.
Comment: This variant is considered likely benign. This variant has been observed at a population frequency that is significantly greater than expected given the associated disease prevalence and penetrance.

Ambry Genetics
Classification: Uncertain significance for Hereditary cancer-predisposing syndrome. Last evaluated: 2020-02-18. Review status: criteria provided, single submitter. Criteria: Ambry Variant Classification Scheme 2023. Collection method: clinical testing. Allele origin: germline.
Comment: The c.-1A>T variant is located in the 5' untranslated region (5&rsquo; UTR) of the VHL gene. This variant results from an A to T substitution 1 bases upstream from the first translated codon. This nucleotide position is well conserved in available vertebrate species. Since supporting evidence is limited at this time, the clinical significance of this alteration remains unclear.

NM_000551.4(VHL):c.-1A>T

Gene: VHL (von Hippel-Lindau tumor suppressor; plus strand). Cytogenetic location: 3p25.3.
Variant type: single nucleotide variant.
Coding change: c.-1A>T on transcript NM_000551.4 (MANE Select); 1 bases upstream of the start codon, A replaced by T.
Molecular consequence: 5 prime UTR variant. On other transcripts: non-coding transcript variant (1).
Genome position (GRCh38, 1-based): chr3:10,141,847, A>T. VCF-style: chr3-10141847-A-T. GRCh37 (hg19) VCF-style: chr3-10183531-A-T.
Other names: c.-1A>T (NM_001354723.2, NM_198156.3).
Identifiers: ClinVar variation 1784182 (VCV001784182.3), dbSNP rs1165233721, ClinGen allele CA541213516.